The following is an entry in ClinVar:

NM_000426.4(LAMA2):c.3574C>T (p.Gln1192Ter)

Gene: LAMA2 (laminin subunit alpha 2; plus strand). Cytogenetic location: 6q22.33.
Variant type: single nucleotide variant.
Coding change: c.3574C>T on transcript NM_000426.4 (MANE Select); coding-DNA position 3574, C replaced by T.
Protein change: p.Gln1192Ter; replaces glutamine 1192 with a stop codon.
Molecular consequence: nonsense.
Genome position (GRCh38, 1-based): chr6:129,315,494, C>T. VCF-style: chr6-129315494-C-T. GRCh37 (hg19) VCF-style: chr6-129636639-C-T.
Other names: c.3574C>T, p.Gln1192Ter (NM_001079823.2); short protein forms Q1192*.
Identifiers: ClinVar variation 4731473 (VCV004731473.1).

ClinVar aggregate classification (germline): Pathogenic (1 of 4 stars; one submission).

Conditions:
LAMA2-related muscular dystrophy (LAMA2-RD). Also called: Laminin alpha 2-related dystrophy. Identifiers: MedGen C5679788, MONDO:0100228.

Submission:

Labcorp Genetics (formerly Invitae), Labcorp
Classification: Pathogenic for LAMA2-related muscular dystrophy. Last evaluated: 2025-11-18. Review status: criteria provided, single submitter. Criteria: Invitae Variant Classification Sherloc (09022015). Collection method: clinical testing. Allele origin: germline.
Comment: This sequence change creates a premature translational stop signal (p.Gln1192*) in the LAMA2 gene. It is expected to result in an absent or disrupted protein product. Loss-of-function variants in LAMA2 are known to be pathogenic (PMID: 18700894, 32904964). This variant is not present in population databases (gnomAD no frequency). This variant has not been reported in the literature in individuals affected with LAMA2-related conditions. For these reasons, this variant has been classified as Pathogenic.

Literature cited by the submitters: PubMed 18700894; PubMed 32904964.